The following is an entry in ClinVar:

ClinVar aggregate classification (germline): Uncertain significance. Review status: criteria provided, multiple submitters, no conflicts (2 of 4 stars). 2 submissions from 2 submitters: Uncertain significance (2). Last evaluated 2024-06-18.

Conditions:
Agammaglobulinemia 3, autosomal recessive (AGM3). Also called: AGAMMAGLOBULINEMIA 3; AGAMMAGLOBULINEMIA, AUTOSOMAL RECESSIVE, DUE TO CD79A DEFECT. Identifiers: MedGen C3150751, MONDO:0013288, OMIM 613501.

Submissions (2):

Blueprint Genetics
Classification: Uncertain significance. Last evaluated: 2024-06-18. Review status: criteria provided, single submitter. Criteria: ACMG Guidelines, 2015. Collection method: clinical testing. Allele origin: germline.

Labcorp Genetics (formerly Invitae), Labcorp
Classification: Uncertain significance for Agammaglobulinemia 3, autosomal recessive. Last evaluated: 2024-01-22. Review status: criteria provided, single submitter. Criteria: Invitae Variant Classification Sherloc (09022015). Collection method: clinical testing. Allele origin: germline.
Comment: This sequence change replaces arginine, which is basic and polar, with glutamine, which is neutral and polar, at codon 168 of the CD79A protein (p.Arg168Gln). This variant is present in population databases (no rsID available, gnomAD 0.03%). This variant has not been reported in the literature in individuals affected with CD79A-related conditions. An algorithm developed to predict the effect of missense changes on protein structure and function (PolyPhen-2) suggests that this variant is likely to be disruptive. In summary, the available evidence is currently insufficient to determine the role of this variant in disease. Therefore, it has been classified as a Variant of Uncertain Significance.

NM_001783.4(CD79A):c.503G>A (p.Arg168Gln)

Genes: CD79A (CD79a molecule; plus strand), RPS19-CD79A (RPS19-CD79A readthrough; plus strand). Cytogenetic location: 19q13.2.
Variant type: single nucleotide variant.
Coding change: c.503G>A on transcript NM_001783.4 (MANE Select); coding-DNA position 503, G replaced by A.
Protein change: p.Arg168Gln; replaces arginine 168 with glutamine.
Molecular consequence: missense variant.
Genome position (GRCh38, 1-based): chr19:41,880,674, G>A. VCF-style: chr19-41880674-G-A. GRCh37 (hg19) VCF-style: chr19-42384741-G-A.
Other names: c.389G>A, p.Arg130Gln (NM_021601.4); short protein forms R130Q, R168Q.
Identifiers: ClinVar variation 2748872 (VCV002748872.2), dbSNP rs1355355628, ClinGen allele CA406037078.